The following is an entry in ClinVar:

ClinVar aggregate classification (germline): Uncertain significance (1 of 4 stars; one submission).

Conditions:
Fanconi anemia (FA). Also called: Fanconi's anemia. Identifiers: Orphanet 84, MedGen C0015625, MeSH D005199, MONDO:0019391.

Submission:

Labcorp Genetics (formerly Invitae), Labcorp
Classification: Uncertain significance for Fanconi anemia. Last evaluated: 2023-09-29. Review status: criteria provided, single submitter. Criteria: Invitae Variant Classification Sherloc (09022015). Collection method: clinical testing. Allele origin: germline.
Comment: This variant is not present in population databases (gnomAD no frequency). In summary, the available evidence is currently insufficient to determine the role of this variant in disease. Therefore, it has been classified as a Variant of Uncertain Significance. Algorithms developed to predict the effect of sequence changes on RNA splicing suggest that this variant may disrupt the consensus splice site. An algorithm developed to predict the effect of missense changes on protein structure and function (PolyPhen-2) suggests that this variant is likely to be disruptive. This variant has not been reported in the literature in individuals affected with FANCI-related conditions. This sequence change replaces glutamic acid, which is acidic and polar, with valine, which is neutral and non-polar, at codon 59 of the FANCI protein (p.Glu59Val).

NM_001113378.2(FANCI):c.176A>T (p.Glu59Val)

Gene: FANCI (FA complementation group I; plus strand). Cytogenetic location: 15q26.1.
Variant type: single nucleotide variant.
Coding change: c.176A>T on transcript NM_001113378.2 (MANE Select); coding-DNA position 176, A replaced by T.
Protein change: p.Glu59Val; replaces glutamic acid 59 with valine.
Molecular consequence: missense variant. On other transcripts: 5 prime UTR variant (1).
Genome position (GRCh38, 1-based): chr15:89,260,731, A>T. VCF-style: chr15-89260731-A-T. GRCh37 (hg19) VCF-style: chr15-89803962-A-T.
Other names: c.-104A>T (NM_001376910.1); c.176A>T, p.Glu59Val (NM_001376911.1, NM_018193.3); short protein forms E59V.
Identifiers: ClinVar variation 3008627 (VCV003008627.2), dbSNP rs2505878120, ClinGen allele CA393737785.
Genomic context (GRCh38, chr15:89,260,731, plus strand): 5'-GTTGTAAGACTTGTTTCTGAACCCCCTGTTTAAAACAATAAGGTTCCCCCTGCTCTGAGG[A>T]AGCTGGAACACTTAGGAGACGTAAGATATACACTTGTTGTATCCAGTTGGTGGAATCGGG-3'
Protein context (NP_001106849.1, residues 49-69): AIFKGSPCSE[Glu59Val]AGTLRRRKIY